The following is an entry in ClinVar:

NM_001127222.2(CACNA1A):c.5732-20T>C

Gene: CACNA1A (calcium voltage-gated channel subunit alpha1 A; minus strand). Cytogenetic location: 19p13.13.
Variant type: single nucleotide variant.
Coding change: c.5732-20T>C on transcript NM_001127222.2 (MANE Select); 20 bases into the intron before coding-DNA position 5732, T replaced by C.
Molecular consequence: intron variant.
Genome position (GRCh38, 1-based): chr19:13,214,628, A>G on the plus strand (T>C on the coding strand, the complement: CACNA1A is on the minus strand). VCF-style: chr19-13214628-A-G. GRCh37 (hg19) VCF-style: chr19-13325442-A-G.
Other names: c.5735-20T>C (NM_001127221.2); c.5741-20T>C (NM_001174080.2); c.5750-20T>C (NM_000068.4, NM_023035.3).
Identifiers: ClinVar variation 506921 (VCV000506921.9), dbSNP rs1425639727, ClinGen allele CA631866065.

ClinVar aggregate classification (germline): Likely benign. Review status: criteria provided, multiple submitters, no conflicts (2 of 4 stars). 2 submissions from 2 submitters: Likely benign (2). Last evaluated 2021-04-09.

Conditions:
Developmental and epileptic encephalopathy, 42 (DEE42A). Also called: Epileptic encephalopathy, early infantile, 42; DEVELOPMENTAL AND EPILEPTIC ENCEPHALOPATHY 42A; EPILEPTIC ENCEPHALOPATHY, EARLY INFANTILE, 42A. Identifiers: MedGen C4310716, MONDO:0014917, OMIM 617106.
Episodic ataxia type 2 (EA2). Also called: ATAXIA, EPISODIC, WITH NYSTAGMUS; ATAXIA, FAMILIAL PAROXYSMAL; CEREBELLAR ATAXIA, PAROXYSMAL, ACETAZOLAMIDE-RESPONSIVE; CEREBELLOPATHY, HEREDITARY PAROXYSMAL; EPISODIC ATAXIA, NYSTAGMUS-ASSOCIATED; ACETAZOLAMIDE-RESPONSIVE HEREDITARY PAROXYSMAL CEREBELLAR ATAXIA. Identifiers: Orphanet 97, MedGen C1720416, MONDO:0007163, OMIM 108500.

Allele frequency attached by ClinVar (database versions not stated): gnomAD exomes below 0.00001; gnomAD 0.00001 and 0.00002.
gnomAD v4.1: 4 of 1,592,978 alleles (0.00025%); highest among the groups gnomAD compares: African/African-American, 0.004%; no homozygotes.

Submissions (2):

Labcorp Genetics (formerly Invitae), Labcorp
Classification: Likely benign for Developmental and epileptic encephalopathy, 42; Episodic ataxia type 2. Last evaluated: 2021-04-09. Review status: criteria provided, single submitter. Criteria: Invitae Variant Classification Sherloc (09022015). Collection method: clinical testing. Allele origin: germline.

GeneDx
Classification: Likely benign. Last evaluated: 2017-01-18. Review status: criteria provided, single submitter. Criteria: GeneDx Variant Classification (06012015). Collection method: clinical testing. Allele origin: germline. Affected: yes.
Comment: This variant is considered likely benign or benign based on one or more of the following criteria: it is a conservative change, it occurs at a poorly conserved position in the protein, it is predicted to be benign by multiple in silico algorithms, and/or has population frequency not consistent with disease.